The following is an entry in ClinVar:

ClinVar aggregate classification (germline): Uncertain significance. Review status: criteria provided, multiple submitters, no conflicts (2 of 4 stars). 2 submissions from 2 submitters: Uncertain significance (2). Last evaluated 2024-08-12.

Conditions:
Cardiovascular phenotype. Identifiers: MedGen CN230736.
ANKRD1-related dilated cardiomyopathy. Identifiers: MedGen CN119551.

Allele frequency attached by ClinVar (database versions not stated): gnomAD exomes 0.00001; TOPMed 0.00001; gnomAD 0.00002.

Submissions (2):

Ambry Genetics
Classification: Uncertain significance for Cardiovascular phenotype. Last evaluated: 2024-08-12. Review status: criteria provided, single submitter. Criteria: Ambry Variant Classification Scheme 2023. Collection method: clinical testing. Allele origin: germline.
Comment: The p.V136A variant (also known as c.407T>C), located in coding exon 4 of the ANKRD1 gene, results from a T to C substitution at nucleotide position 407. The valine at codon 136 is replaced by alanine, an amino acid with similar properties. This amino acid position is conserved. In addition, the in silico prediction for this alteration is inconclusive. Based on the available evidence, the clinical significance of this variant remains unclear.

Labcorp Genetics (formerly Invitae), Labcorp
Classification: Uncertain significance for ANKRD1-related dilated cardiomyopathy. Last evaluated: 2022-10-07. Review status: criteria provided, single submitter. Criteria: Invitae Variant Classification Sherloc (09022015). Collection method: clinical testing. Allele origin: germline.
Comment: This sequence change replaces valine, which is neutral and non-polar, with alanine, which is neutral and non-polar, at codon 136 of the ANKRD1 protein (p.Val136Ala). This variant is not present in population databases (gnomAD no frequency). This variant has not been reported in the literature in individuals affected with ANKRD1-related conditions. ClinVar contains an entry for this variant (Variation ID: 1042179). Advanced modeling of protein sequence and biophysical properties (such as structural, functional, and spatial information, amino acid conservation, physicochemical variation, residue mobility, and thermodynamic stability) performed at Invitae indicates that this missense variant is not expected to disrupt ANKRD1 protein function. In summary, the available evidence is currently insufficient to determine the role of this variant in disease. Therefore, it has been classified as a Variant of Uncertain Significance.

NM_014391.3(ANKRD1):c.407T>C (p.Val136Ala)

Gene: ANKRD1 (ankyrin repeat domain 1; minus strand). Cytogenetic location: 10q23.31.
Variant type: single nucleotide variant.
Coding change: c.407T>C on transcript NM_014391.3 (MANE Select); coding-DNA position 407, T replaced by C.
Protein change: p.Val136Ala; replaces valine 136 with alanine.
Molecular consequence: missense variant.
Genome position (GRCh38, 1-based): chr10:90,918,911, A>G on the plus strand (T>C on the coding strand, the complement: ANKRD1 is on the minus strand). VCF-style: chr10-90918911-A-G. GRCh37 (hg19) VCF-style: chr10-92678668-A-G.
Other names: c.407T>C (NM_014391.2); short protein forms V136A.
Identifiers: ClinVar variation 1042179 (VCV001042179.9), dbSNP rs1208266830, ClinGen allele CA377552220.